The following is an entry in ClinVar:

NM_145290.4(ADGRA3):c.330-2A>T

Gene: ADGRA3 (adhesion G protein-coupled receptor A3; minus strand). Cytogenetic location: 4p15.2.
Variant type: single nucleotide variant.
Coding change: c.330-2A>T on transcript NM_145290.4 (MANE Select); the canonical splice acceptor site of the intron before coding-DNA position 330, A replaced by T.
Molecular consequence: splice acceptor variant.
Genome position (GRCh38, 1-based): chr4:22,461,810, T>A on the plus strand (A>T on the coding strand, the complement: ADGRA3 is on the minus strand). VCF-style: chr4-22461810-T-A. GRCh37 (hg19) VCF-style: chr4-22463433-T-A.
Identifiers: ClinVar variation 1472068 (VCV001472068.6), dbSNP rs377186116, ClinGen allele CA93534133.

ClinVar aggregate classification (germline): Uncertain significance (1 of 4 stars; one submission).

Allele frequency attached by ClinVar (database versions not stated): gnomAD exomes 0.00001; TOPMed 0.00002; gnomAD 0.00004; ESP Exome Variant Server 0.00008.
gnomAD v4.1: 8 of 1,594,764 alleles (0.0005%); highest among the groups gnomAD compares: Admixed American, 0.013%; no homozygotes.

Submission:

Labcorp Genetics (formerly Invitae), Labcorp
Classification: Uncertain significance. Last evaluated: 2022-01-13. Review status: criteria provided, single submitter. Criteria: Invitae Variant Classification Sherloc (09022015). Collection method: clinical testing. Allele origin: germline.
Comment: In summary, the available evidence is currently insufficient to determine the role of this variant in disease. Therefore, it has been classified as a Variant of Uncertain Significance. Algorithms developed to predict the effect of sequence changes on RNA splicing suggest that this variant may disrupt the consensus splice site. This variant has not been reported in the literature in individuals affected with ADGRA3-related conditions. This variant is present in population databases (rs377186116, gnomAD 0.006%). This sequence change affects an acceptor splice site in intron 2 of the ADGRA3 gene. It is expected to disrupt RNA splicing. Variants that disrupt the donor or acceptor splice site typically lead to a loss of protein function (PMID: 16199547), however the current clinical and genetic evidence is not sufficient to establish whether loss-of-function variants in ADGRA3 cause disease.

Literature cited by the submitters: PubMed 16199547.